The following is an entry in ClinVar:

NM_006231.4(POLE):c.1756G>A (p.Glu586Lys)

Gene: POLE (DNA polymerase epsilon, catalytic subunit; minus strand). Cytogenetic location: 12q24.33.
Variant type: single nucleotide variant.
Coding change: c.1756G>A on transcript NM_006231.4 (MANE Select); coding-DNA position 1756, G replaced by A.
Protein change: p.Glu586Lys; replaces glutamic acid 586 with lysine.
Molecular consequence: missense variant.
Genome position (GRCh38, 1-based): chr12:132,672,253, C>T on the plus strand (G>A on the coding strand, the complement: POLE is on the minus strand). VCF-style: chr12-132672253-C-T. GRCh37 (hg19) VCF-style: chr12-133248839-C-T.
Other names: short protein forms E586K.
Identifiers: ClinVar variation 240404 (VCV000240404.3), dbSNP rs878854845, ClinGen allele CA10583015.
Genomic context (GRCh38, chr12:132,672,253, plus strand): 5'-TTCCTGCCTCCCTGATGGTTACCTCTTCAAAGTTGGTGACTTGCTCCACAGGCACTTTCT[C>T]CTCTTCCTCAAGGGCGTGGCGCAAGGTCTTCTCAACCCGCTGCAGCAGGAAGTCAAAGGC-3'
Protein context (NP_006222.2, residues 576-596): KTLRHALEEE[Glu586Lys]KVPVEQVTNF

ClinVar aggregate classification (germline): Uncertain significance (1 of 4 stars; one submission).

Submission:

Labcorp Genetics (formerly Invitae), Labcorp
Classification: Uncertain significance. Last evaluated: 2024-02-01. Review status: criteria provided, single submitter. Criteria: Invitae Variant Classification Sherloc (09022015). Collection method: clinical testing. Allele origin: germline.
Comment: This sequence change replaces glutamic acid, which is acidic and polar, with lysine, which is basic and polar, at codon 586 of the POLE protein (p.Glu586Lys). This variant is not present in population databases (gnomAD no frequency). This variant has not been reported in the literature in individuals affected with POLE-related conditions. ClinVar contains an entry for this variant (Variation ID: 240404). Advanced modeling of protein sequence and biophysical properties (such as structural, functional, and spatial information, amino acid conservation, physicochemical variation, residue mobility, and thermodynamic stability) has been performed at Invitae for this missense variant, however the output from this modeling did not meet the statistical confidence thresholds required to predict the impact of this variant on POLE protein function. In summary, the available evidence is currently insufficient to determine the role of this variant in disease. Therefore, it has been classified as a Variant of Uncertain Significance.